The following is an entry in ClinVar:

NM_024301.5(FKRP):c.748A>G (p.Thr250Ala)

Gene: FKRP (fukutin related protein; plus strand). Cytogenetic location: 19q13.32.
Variant type: single nucleotide variant.
Coding change: c.748A>G on transcript NM_024301.5 (MANE Select); coding-DNA position 748, A replaced by G.
Protein change: p.Thr250Ala; replaces threonine 250 with alanine.
Molecular consequence: missense variant.
Genome position (GRCh38, 1-based): chr19:46,756,198, A>G. VCF-style: chr19-46756198-A-G. GRCh37 (hg19) VCF-style: chr19-47259455-A-G.
Other names: c.748A>G, p.Thr250Ala (NM_001039885.3); short protein forms T250A.
Identifiers: ClinVar variation 2095199 (VCV002095199.4), dbSNP rs2513991646, ClinGen allele CA406495930.

ClinVar aggregate classification (germline): Uncertain significance (1 of 4 stars; one submission).

Conditions:
Walker-Warburg congenital muscular dystrophy. Also called: Muscular dystrophy-dystroglycanopathy, type A; Walker-Warburg syndrome. Identifiers: Orphanet 899, MedGen C0265221, MONDO:0000171.

Submission:

Labcorp Genetics (formerly Invitae), Labcorp
Classification: Uncertain significance for Walker-Warburg congenital muscular dystrophy. Last evaluated: 2022-02-08. Review status: criteria provided, single submitter. Criteria: Invitae Variant Classification Sherloc (09022015). Collection method: clinical testing. Allele origin: germline.
Comment: In summary, the available evidence is currently insufficient to determine the role of this variant in disease. Therefore, it has been classified as a Variant of Uncertain Significance. Algorithms developed to predict the effect of missense changes on protein structure and function are either unavailable or do not agree on the potential impact of this missense change (SIFT: "Deleterious"; PolyPhen-2: "Benign"; Align-GVGD: "Class C0"). This variant has not been reported in the literature in individuals affected with FKRP-related conditions. This variant is not present in population databases (gnomAD no frequency). This sequence change replaces threonine, which is neutral and polar, with alanine, which is neutral and non-polar, at codon 250 of the FKRP protein (p.Thr250Ala).